The following is an entry in ClinVar:

NM_000038.6(APC):c.1989A>G (p.Gln663=)

Gene: APC (APC regulator of Wnt signaling pathway; plus strand). Cytogenetic location: 5q22.2.
Variant type: single nucleotide variant.
Coding change: c.1989A>G on transcript NM_000038.6 (MANE Select); coding-DNA position 1989, A replaced by G.
Protein change: p.Gln663=; no amino-acid change (glutamine 663 retained).
Molecular consequence: synonymous variant.
Genome position (GRCh38, 1-based): chr5:112,837,583, A>G. VCF-style: chr5-112837583-A-G. GRCh37 (hg19) VCF-style: chr5-112173280-A-G.
Other names: c.1989A>G, p.Gln663= (NM_001127510.3, NM_001354895.2); c.1935A>G, p.Gln645= (NM_001127511.3); c.2043A>G, p.Gln681= (NM_001354896.2); c.2019A>G, p.Gln673= (NM_001354897.2); c.1914A>G, p.Gln638= (NM_001354898.2); c.1905A>G, p.Gln635= (NM_001354899.2); c.1866A>G, p.Gln622= (NM_001354900.2); c.1812A>G, p.Gln604= (NM_001354901.2); and 5 more.
Identifiers: ClinVar variation 220470 (VCV000220470.58), dbSNP rs864622539, ClinGen allele CA350440.

ClinVar aggregate classification (germline): Benign/Likely benign. Review status: criteria provided, multiple submitters, no conflicts (2 of 4 stars). 4 submissions from 4 submitters: Benign (1); Likely benign (3). Last evaluated 2025-03-26.

Conditions:
Hereditary cancer-predisposing syndrome. Also called: Hereditary neoplastic syndrome; Tumor predisposition; Hereditary Cancer Syndrome; Neoplastic Syndromes, Hereditary. Identifiers: Orphanet 140162, MedGen C0027672, MeSH D009386, MONDO:0015356.
Familial adenomatous polyposis 1 (FAP1). Also called: FAMILIAL ADENOMATOUS POLYPOSIS 1, ATTENUATED; POLYPOSIS, ADENOMATOUS INTESTINAL. Identifiers: MedGen C2713442, MONDO:0021056, OMIM 175100. Disease mechanism: loss of function.

Allele frequency attached by ClinVar (database versions not stated): gnomAD exomes below 0.00001.
gnomAD v4.1: 6 of 1,613,066 alleles (0.00037%); highest among the groups gnomAD compares: African/African-American, 0.0013%; no homozygotes.

Submissions (4):

Labcorp Genetics (formerly Invitae), Labcorp
Classification: Likely benign for Familial adenomatous polyposis 1. Last evaluated: 2025-03-26. Review status: criteria provided, single submitter. Criteria: Invitae Variant Classification Sherloc (09022015). Collection method: clinical testing. Allele origin: germline.

Center for Genomic Medicine, Rigshospitalet, Copenhagen University Hospital
Classification: Likely benign. Last evaluated: 2025-03-04. Review status: criteria provided, single submitter. Criteria: ACMG Guidelines, 2015. Collection method: clinical testing. Allele origin: germline.

Myriad Genetics, Inc.
Classification: Benign for Familial adenomatous polyposis 1. Last evaluated: 2024-03-08. Review status: criteria provided, single submitter. Criteria: Myriad Autosomal Dominant, Autosomal Recessive and X-Linked Classification Criteria (2023). Collection method: clinical testing. Allele origin: unknown.
Comment: This variant is considered benign. This variant is a silent/synonymous amino acid change and it is not expected to impact splicing.

Ambry Genetics
Classification: Likely benign for Hereditary cancer-predisposing syndrome. Last evaluated: 2016-10-12. Review status: criteria provided, single submitter. Criteria: Ambry Variant Classification Scheme 2023. Collection method: clinical testing. Allele origin: germline.